The following is an entry in ClinVar:

ClinVar aggregate classification (germline): Uncertain significance (1 of 4 stars; one submission).

Submission:

GeneDx
Classification: Uncertain significance. Last evaluated: 2025-07-16. Review status: criteria provided, single submitter. Criteria: GeneDx Variant Classification Process June 2021. Collection method: clinical testing. Allele origin: germline. Affected: yes.
Comment: Not observed at significant frequency in large population cohorts (gnomAD); In silico analysis supports that this missense variant has a deleterious effect on protein structure/function; This variant is associated with the following publications: (PMID: 36267860)

NM_001378414.1(HDAC4):c.827T>A (p.Val276Glu)

Gene: HDAC4 (histone deacetylase 4; minus strand). Cytogenetic location: 2q37.3.
Variant type: single nucleotide variant.
Coding change: c.827T>A on transcript NM_001378414.1 (MANE Select); coding-DNA position 827, T replaced by A.
Protein change: p.Val276Glu; replaces valine 276 with glutamic acid.
Molecular consequence: missense variant.
Genome position (GRCh38, 1-based): chr2:239,144,621, A>T on the plus strand (T>A on the coding strand, the complement: HDAC4 is on the minus strand). VCF-style: chr2-239144621-A-T. GRCh37 (hg19) VCF-style: chr2-240066317-A-T.
Other names: c.746T>A, p.Val249Glu (NM_001435991.1, NM_001435992.1, NM_001435994.1 and 1 more transcripts); c.683T>A, p.Val228Glu (NM_001435993.1); c.812T>A, p.Val271Glu (NM_001435996.1); c.827T>A, p.Val276Glu (NM_006037.4, NM_001378415.1, NM_001378416.1 and 1 more transcripts); short protein forms V228E, V249E, V271E, V276E.
Identifiers: ClinVar variation 4686174 (VCV004686174.1).
Genomic context (GRCh38, chr2:239,144,621, plus strand): 5'-TGTACCTGCTCAGCCGACATACCTGTGACATCCAACGGACGCTTTTTTAGAGCAGTGACC[A>T]CTGGCCCGTCTTTCCTGCGTAACAGGGGGCTGCTCCGTCTTTCGGCCACTTTCTGCTTTA-3'
Protein context (NP_001365343.1, residues 266-286): SPLLRRKDGP[Val276Glu]VTALKKRPLD